The following is an entry in ClinVar:

NM_178510.2(ANKK1):c.1653G>A (p.Ala551=)

Gene: ANKK1 (ankyrin repeat and kinase domain containing 1; plus strand). Cytogenetic location: 11q23.2.
Variant type: single nucleotide variant.
Coding change: c.1653G>A on transcript NM_178510.2 (MANE Select); coding-DNA position 1653, G replaced by A.
Protein change: p.Ala551=; no amino-acid change (alanine 551 retained).
Molecular consequence: synonymous variant.
Genome position (GRCh38, 1-based): chr11:113,399,622, G>A. VCF-style: chr11-113399622-G-A. GRCh37 (hg19) VCF-style: chr11-113270344-G-A.
Identifiers: ClinVar variation 3055464 (VCV003055464.2), dbSNP rs200099073, ClinGen allele CA6280980.

ClinVar aggregate classification (germline): Likely benign (0 of 4 stars; one submission).

Conditions:
ANKK1-related disorder. Also called: ANKK1-related condition.

Allele frequency attached by ClinVar (database versions not stated): gnomAD exomes 0.00016; ExAC 0.00068; gnomAD 0.00161; TOPMed 0.00182; ESP Exome Variant Server 0.00190; 1000 Genomes Project 0.00200; 1000 Genomes Project 30x 0.00203.

Submission:

PreventionGenetics, part of Exact Sciences
Classification: Likely benign for ANKK1-related condition. Last evaluated: 2019-04-29. Review status: no assertion criteria provided. Collection method: clinical testing. Allele origin: germline.
Comment: This variant is classified as likely benign based on ACMG/AMP sequence variant interpretation guidelines (Richards et al. 2015 PMID: 25741868, with internal and published modifications).